The following is an entry in ClinVar:

NM_005045.4(RELN):c.6760G>A (p.Gly2254Ser)

Gene: RELN (reelin; minus strand). Cytogenetic location: 7q22.1.
Variant type: single nucleotide variant.
Coding change: c.6760G>A on transcript NM_005045.4 (MANE Select); coding-DNA position 6760, G replaced by A.
Protein change: p.Gly2254Ser; replaces glycine 2254 with serine.
Molecular consequence: missense variant.
Genome position (GRCh38, 1-based): chr7:103,540,367, C>T on the plus strand (G>A on the coding strand, the complement: RELN is on the minus strand). VCF-style: chr7-103540367-C-T. GRCh37 (hg19) VCF-style: chr7-103180814-C-T.
Other names: c.6760G>A, p.Gly2254Ser (NM_173054.3); short protein forms G2254S.
Identifiers: ClinVar variation 2068575 (VCV002068575.4), dbSNP rs780883877, ClinGen allele CA4420883.
Genomic context (GRCh38, chr7:103,540,367, plus strand): 5'-TGCCCACATTGCTGGAATTGCTGAAAAGGAACTCCTGAAGAAGACTCCACGAGAGGCCAC[C>T]GTTGAGAGAATACTGTAGGAGCACGGGTTGACTCCTGGGGTCAGGAACGCCTTTACCACA-3'
Protein context (NP_005036.2, residues 2244-2264): QPVLLQYSLN[Gly2254Ser]GLSWSLLQEF

ClinVar aggregate classification (germline): Uncertain significance (1 of 4 stars; one submission).

Conditions:
Norman-Roberts syndrome (LIS2). Also called: Lissencephaly 2 (Norman-Roberts type). Identifiers: Orphanet 89844, MedGen C0796089, MONDO:0009760, OMIM 257320.
Familial temporal lobe epilepsy 7. Identifiers: Orphanet 101046, MedGen C4225327, MONDO:0014639, OMIM 616436.

Allele frequency attached by ClinVar (database versions not stated): TOPMed below 0.00001; gnomAD 0.00001.
gnomAD v4.1: 50 of 1,613,996 alleles (0.0031%); highest among the groups gnomAD compares: Non-Finnish European, 0.0039%; no homozygotes.

Submission:

Labcorp Genetics (formerly Invitae), Labcorp
Classification: Uncertain significance for Familial temporal lobe epilepsy 7; Norman-Roberts syndrome. Last evaluated: 2025-01-20. Review status: criteria provided, single submitter. Criteria: Invitae Variant Classification Sherloc (09022015). Collection method: clinical testing. Allele origin: germline.
Comment: This sequence change replaces glycine, which is neutral and non-polar, with serine, which is neutral and polar, at codon 2254 of the RELN protein (p.Gly2254Ser). This variant is present in population databases (rs780883877, gnomAD 0.006%). This variant has not been reported in the literature in individuals affected with RELN-related conditions. ClinVar contains an entry for this variant (Variation ID: 2068575). Invitae Evidence Modeling of protein sequence and biophysical properties (such as structural, functional, and spatial information, amino acid conservation, physicochemical variation, residue mobility, and thermodynamic stability) indicates that this missense variant is not expected to disrupt RELN protein function with a negative predictive value of 80%. Algorithms developed to predict the effect of sequence changes on RNA splicing suggest that this variant may create or strengthen a splice site. In summary, the available evidence is currently insufficient to determine the role of this variant in disease. Therefore, it has been classified as a Variant of Uncertain Significance.